The following is an entry in ClinVar:

NM_000243.3(MEFV):c.1441G>T (p.Val481Leu)

Gene: MEFV (MEFV innate immunity regulator, pyrin; minus strand). Cytogenetic location: 16p13.3.
Variant type: single nucleotide variant.
Coding change: c.1441G>T on transcript NM_000243.3 (MANE Select); coding-DNA position 1441, G replaced by T.
Protein change: p.Val481Leu; replaces valine 481 with leucine.
Molecular consequence: missense variant.
Genome position (GRCh38, 1-based): chr16:3,247,162, C>A on the plus strand (G>T on the coding strand, the complement: MEFV is on the minus strand). VCF-style: chr16-3247162-C-A. GRCh37 (hg19) VCF-style: chr16-3297162-C-A.
Other names: c.808G>T, p.Val270Leu (NM_001198536.2); short protein forms V270L, V481L.
Identifiers: ClinVar variation 1351144 (VCV001351144.8), dbSNP rs1487427766, ClinGen allele CA394464362.

ClinVar aggregate classification (germline): Uncertain significance (1 of 4 stars; one submission).

Conditions:
Familial Mediterranean fever (FMF). Also called: Periodic peritonitis; Benign paroxysmal peritonitis; POLYSEROSITIS, FAMILIAL PAROXYSMAL; POLYSEROSITIS, RECURRENT. Identifiers: Orphanet 342, MedGen C0031069, MONDO:0018088, OMIM 249100. Disease mechanism: gain of function.

Allele frequency attached by ClinVar (database versions not stated): gnomAD exomes below 0.00001.
gnomAD v4.1: 4 of 1,614,160 alleles (0.00025%); highest among the groups gnomAD compares: Non-Finnish European, 0.00034%; no homozygotes.

Submission:

Labcorp Genetics (formerly Invitae), Labcorp
Classification: Uncertain significance for Familial Mediterranean fever. Last evaluated: 2026-01-05. Review status: criteria provided, single submitter. Criteria: Invitae Variant Classification Sherloc (09022015). Collection method: clinical testing. Allele origin: germline.
Comment: This sequence change replaces valine, which is neutral and non-polar, with leucine, which is neutral and non-polar, at codon 481 of the MEFV protein (p.Val481Leu). This variant is not present in population databases (gnomAD no frequency). This variant has not been reported in the literature in individuals affected with MEFV-related conditions. ClinVar contains an entry for this variant (Variation ID: 1351144). An algorithm developed to predict the effect of missense changes on protein structure and function outputs the following: PolyPhen-2: "Benign". The leucine amino acid residue is found in multiple mammalian species, which suggests that this missense change does not adversely affect protein function. In summary, the available evidence is currently insufficient to determine the role of this variant in disease. Therefore, it has been classified as a Variant of Uncertain Significance.